The following is an entry in ClinVar:

ClinVar aggregate classification (germline): Uncertain significance (1 of 4 stars; one submission).

Allele frequency attached by ClinVar (database versions not stated): ExAC 0.00012; 1000 Genomes Project 30x 0.00016; 1000 Genomes Project 0.00020; ESP Exome Variant Server 0.00023; gnomAD 0.00023; TOPMed 0.00036.
gnomAD v4.1: 86 of 1,582,262 alleles (0.0054%); highest among the groups gnomAD compares: African/African-American, 0.097%; no homozygotes.

Submission:

Labcorp Genetics (formerly Invitae), Labcorp
Classification: Uncertain significance. Last evaluated: 2022-08-22. Review status: criteria provided, single submitter. Criteria: Invitae Variant Classification Sherloc (09022015). Collection method: clinical testing. Allele origin: germline.
Comment: This sequence change replaces asparagine, which is neutral and polar, with serine, which is neutral and polar, at codon 177 of the PLOD2 protein (p.Asn177Ser). This variant is present in population databases (rs139078202, gnomAD 0.1%). This variant has not been reported in the literature in individuals affected with PLOD2-related conditions. Algorithms developed to predict the effect of missense changes on protein structure and function output the following: SIFT: "Tolerated"; PolyPhen-2: "Benign"; Align-GVGD: "Class C0". The serine amino acid residue is found in multiple mammalian species, which suggests that this missense change does not adversely affect protein function. Algorithms developed to predict the effect of sequence changes on RNA splicing suggest that this variant may create or strengthen a splice site. In summary, the available evidence is currently insufficient to determine the role of this variant in disease. Therefore, it has been classified as a Variant of Uncertain Significance.

NM_182943.3(PLOD2):c.530A>G (p.Asn177Ser)

Gene: PLOD2 (procollagen-lysine,2-oxoglutarate 5-dioxygenase 2; minus strand). Cytogenetic location: 3q24.
Variant type: single nucleotide variant.
Coding change: c.530A>G on transcript NM_182943.3 (MANE Select); coding-DNA position 530, A replaced by G.
Protein change: p.Asn177Ser; replaces asparagine 177 with serine.
Molecular consequence: missense variant.
Genome position (GRCh38, 1-based): chr3:146,106,617, T>C on the plus strand (A>G on the coding strand, the complement: PLOD2 is on the minus strand). VCF-style: chr3-146106617-T-C. GRCh37 (hg19) VCF-style: chr3-145824404-T-C.
Other names: c.530A>G, p.Asn177Ser (NM_000935.3); short protein forms N177S.
Identifiers: ClinVar variation 2142346 (VCV002142346.1), dbSNP rs139078202, ClinGen allele CA2655209.